The following is an entry in ClinVar:

ClinVar aggregate classification (germline): Uncertain significance (1 of 4 stars; one submission).

Allele frequency attached by ClinVar (database versions not stated): gnomAD exomes 0.00001 and 0.00003; ExAC 0.00002; TOPMed 0.00004; gnomAD 0.00010 and 0.00011.
gnomAD v4.1: 36 of 1,598,220 alleles (0.0023%); highest among the groups gnomAD compares: African/African-American, 0.013%; no homozygotes.

Submission:

Labcorp Genetics (formerly Invitae), Labcorp
Classification: Uncertain significance. Last evaluated: 2025-10-22. Review status: criteria provided, single submitter. Criteria: Invitae Variant Classification Sherloc (09022015). Collection method: clinical testing. Allele origin: germline.
Comment: This sequence change affects codon 542 of the SZT2 mRNA. It is a 'silent' change, meaning that it does not change the encoded amino acid sequence of the SZT2 protein. This variant also falls at the last nucleotide of exon 11, which is part of the consensus splice site for this exon. This variant is present in population databases (rs757610969, gnomAD 0.01%). This variant has not been reported in the literature in individuals affected with SZT2-related conditions. ClinVar contains an entry for this variant (Variation ID: 649326). Variants that disrupt the consensus splice site are a relatively common cause of aberrant splicing (PMID: 17576681, 9536098). Algorithms developed to predict the effect of sequence changes on RNA splicing suggest that this variant is not likely to affect RNA splicing. In summary, the available evidence is currently insufficient to determine the role of this variant in disease. Therefore, it has been classified as a Variant of Uncertain Significance.

Literature cited by the submitters: PubMed 17576681; PubMed 9536098.

NM_001365999.1(SZT2):c.1626G>A (p.Pro542=)

Gene: SZT2 (SZT2 subunit of KICSTOR complex; plus strand). Cytogenetic location: 1p34.2.
Variant type: single nucleotide variant.
Coding change: c.1626G>A on transcript NM_001365999.1 (MANE Select); coding-DNA position 1626, G replaced by A.
Protein change: p.Pro542=; no amino-acid change (proline 542 retained).
Molecular consequence: synonymous variant.
Genome position (GRCh38, 1-based): chr1:43,421,303, G>A. VCF-style: chr1-43421303-G-A. GRCh37 (hg19) VCF-style: chr1-43886974-G-A.
Other names: c.1626G>A, p.Pro542= (NM_015284.4).
Identifiers: ClinVar variation 649326 (VCV000649326.7), dbSNP rs757610969, ClinGen allele CA808464.